The following is an entry in ClinVar:

ClinVar aggregate classification (germline): Conflicting classifications of pathogenicity. Review status: criteria provided, conflicting classifications (1 of 4 stars). 4 submissions from 4 submitters: Pathogenic (1); Likely pathogenic (1); Uncertain significance (1). 1 of the submissions does not count toward it. Last evaluated 2025-10-08.

Conditions:
Ehlers-Danlos syndrome, spondylodysplastic type, 2 (EDSSPD2). Also called: Ehlers-Danlos syndrome, progeroid type, 2. Identifiers: Orphanet 536467, Orphanet 75496, MedGen C3809210, MONDO:0014139, OMIM 615349.
Spondyloepimetaphyseal dysplasia with joint laxity (SEMDJL). Identifiers: MedGen C0432243, MONDO:0019675.

Allele frequency attached by ClinVar (database versions not stated): ExAC 0.00003; TOPMed below 0.00001; gnomAD exomes 0.00001 and 0.00003; gnomAD 0.00001.

Submissions (4):

Women's Health and Genetics/Laboratory Corporation of America, LabCorp
Classification: Pathogenic for Ehlers-Danlos syndrome, spondylodysplastic type, 2. Last evaluated: 2025-10-08. Review status: criteria provided, single submitter. Criteria: LabCorp Variant Classification Summary - May 2015. Collection method: clinical testing. Allele origin: germline.
Comment: Variant summary: B3GALT6 c.353delA (p.Asp118AlafsX160) results in a premature termination codon, and although it is not predicted to result in nonsense mediated decay, it is expected to cause a truncation of the encoded protein, which is a commonly known mechanism for disease. Variants downstream of this variant have been classified as pathogenic/likely pathogenic. The variant allele was found at a frequency of 2.6e-05 in 77788 control chromosomes. c.353delA has been observed in individuals affected with Ehlers-Danlos syndrome, spondylodysplastic type, 2 (e.g. Nakajima_2013, Caraffi_2019). These data indicate that the variant is likely associated with disease. To our knowledge, no experimental evidence demonstrating an impact on protein function has been reported. The following publications have been ascertained in the context of this evaluation (PMID: 31614862, 23664117). ClinVar contains an entry for this variant (Variation ID: 60490). Based on the evidence outlined above, the variant was classified as pathogenic.

GeneDx
Classification: Likely pathogenic. Last evaluated: 2023-12-07. Review status: criteria provided, single submitter. Criteria: GeneDx Variant Classification Process June 2021. Collection method: clinical testing. Allele origin: germline. Affected: yes.
Comment: Frameshift variant predicted to result in abnormal protein length as the last 212 amino acids are replaced with 159 different amino acids, and other similar variants have been reported in HGMD; Not observed at significant frequency in large population cohorts (gnomAD); This variant is associated with the following publications: (PMID: 23664117, 31614862)

Labcorp Genetics (formerly Invitae), Labcorp
Classification: Uncertain significance for Ehlers-Danlos syndrome, spondylodysplastic type, 2; Spondyloepimetaphyseal dysplasia with joint laxity. Last evaluated: 2022-03-10. Review status: criteria provided, single submitter. Criteria: Invitae Variant Classification Sherloc (09022015). Collection method: clinical testing. Allele origin: germline.
Comment: This sequence change creates a premature translational stop signal (p.Asp118Alafs*160) in the B3GALT6 gene. While this is not anticipated to result in nonsense mediated decay, it is expected to disrupt the last 212 amino acid(s) of the B3GALT6 protein. This variant is present in population databases (rs750088530, gnomAD 0.02%). This premature translational stop signal has been observed in individual(s) with B3GALT6-related conditions (PMID: 23664117, 31614862). ClinVar contains an entry for this variant (Variation ID: 60490). Experimental studies and prediction algorithms are not available or were not evaluated, and the functional significance of this variant is currently unknown. In summary, the available evidence is currently insufficient to determine the role of this variant in disease. Therefore, it has been classified as a Variant of Uncertain Significance.

OMIM
Classification: Pathogenic for EHLERS-DANLOS SYNDROME, SPONDYLODYSPLASTIC TYPE, 2. Last evaluated: 2013-06-06. Review status: no assertion criteria provided. Collection method: literature only. Allele origin: germline. Not counted in ClinVar's aggregate classification.

Literature cited by the submitters: PubMed 31614862 (cited by Women's Health and Genetics/Laboratory Corporation of America, LabCorp and Labcorp Genetics (formerly Invitae), Labcorp); PubMed 23664117 (cited by 3 submitters).

NM_080605.4(B3GALT6):c.353del (p.Asp118fs)

Gene: B3GALT6 (beta-1,3-galactosyltransferase 6; plus strand). Cytogenetic location: 1p36.33.
Variant type: Deletion.
Coding change: c.353del on transcript NM_080605.4 (MANE Select); coding-DNA position 353, one base deleted (A; older notation c.353delA).
Protein change: p.Asp118fs; shifts the reading frame from aspartic acid 118.
Molecular consequence: frameshift variant.
Genome position (GRCh38, 1-based): chr1:1,232,631, A deleted. VCF-style (leftmost placement, unchanged base first): chr1-1232630-GA-G. GRCh37 (hg19) VCF-style: chr1-1168010-GA-G.
Other names: B3GALT6, 1-BP DEL, 353A; c.353delA (NM_080605.4); short protein forms D118fs.
Identifiers: ClinVar variation 60490 (VCV000060490.5), dbSNP rs750088530, ClinGen allele CA144528.